The following is an entry in ClinVar:

NM_001077653.2(TBX20):c.971T>C (p.Leu324Ser)

Gene: TBX20 (T-box transcription factor 20; minus strand). Cytogenetic location: 7p14.2.
Variant type: single nucleotide variant.
Coding change: c.971T>C on transcript NM_001077653.2 (MANE Select); coding-DNA position 971, T replaced by C.
Protein change: p.Leu324Ser; replaces leucine 324 with serine.
Molecular consequence: missense variant.
Genome position (GRCh38, 1-based): chr7:35,204,502, A>G on the plus strand (T>C on the coding strand, the complement: TBX20 is on the minus strand). VCF-style: chr7-35204502-A-G. GRCh37 (hg19) VCF-style: chr7-35244114-A-G.
Other names: short protein forms L324S.
Identifiers: ClinVar variation 1312662 (VCV001312662.12), dbSNP rs1434256200, ClinGen allele CA367263500.

ClinVar aggregate classification (germline): Uncertain significance. Review status: criteria provided, multiple submitters, no conflicts (2 of 4 stars). 3 submissions from 3 submitters: Uncertain significance (3). Last evaluated 2025-10-05.

Conditions:
Cardiovascular phenotype. Identifiers: MedGen CN230736.

Allele frequency attached by ClinVar (database versions not stated): gnomAD exomes 0.00001 and 0.00003; gnomAD 0.00002; TOPMed 0.00003.
gnomAD v4.1: 14 of 1,613,998 alleles (0.00087%); highest among the groups gnomAD compares: Admixed American, 0.017%; no homozygotes.

Submissions (3):

Ambry Genetics
Classification: Uncertain significance for Cardiovascular phenotype. Last evaluated: 2025-10-05. Review status: criteria provided, single submitter. Criteria: Ambry Variant Classification Scheme 2023. Collection method: clinical testing. Allele origin: germline.
Comment: The p.L324S variant (also known as c.971T>C), located in coding exon 7 of the TBX20 gene, results from a T to C substitution at nucleotide position 971. The leucine at codon 324 is replaced by serine, an amino acid with dissimilar properties. This amino acid position is highly conserved in available vertebrate species. In addition, this alteration is predicted to be deleterious by in silico analysis. Since supporting evidence is limited at this time, the clinical significance of this alteration remains unclear.

Labcorp Genetics (formerly Invitae), Labcorp
Classification: Uncertain significance. Last evaluated: 2025-07-09. Review status: criteria provided, single submitter. Criteria: Invitae Variant Classification Sherloc (09022015). Collection method: clinical testing. Allele origin: germline.
Comment: This sequence change replaces leucine, which is neutral and non-polar, with serine, which is neutral and polar, at codon 324 of the TBX20 protein (p.Leu324Ser). This variant is present in population databases (no rsID available, gnomAD 0.02%). This variant has not been reported in the literature in individuals affected with TBX20-related conditions. ClinVar contains an entry for this variant (Variation ID: 1312662). Invitae Evidence Modeling of protein sequence and biophysical properties (such as structural, functional, and spatial information, amino acid conservation, physicochemical variation, residue mobility, and thermodynamic stability) indicates that this missense variant is not expected to disrupt TBX20 protein function with a negative predictive value of 80%. In summary, the available evidence is currently insufficient to determine the role of this variant in disease. Therefore, it has been classified as a Variant of Uncertain Significance.

GeneDx
Classification: Uncertain significance. Last evaluated: 2024-06-22. Review status: criteria provided, single submitter. Criteria: GeneDx Variant Classification Process June 2021. Collection method: clinical testing. Allele origin: germline. Affected: yes.
Comment: In silico analysis, which includes protein predictors and evolutionary conservation, supports that this variant does not alter protein structure/function; Has not been previously published as pathogenic or benign to our knowledge